The following is an entry in ClinVar:

NM_000090.4(COL3A1):c.770C>T (p.Pro257Leu)

Gene: COL3A1 (collagen type III alpha 1 chain; plus strand). Cytogenetic location: 2q32.2.
Variant type: single nucleotide variant.
Coding change: c.770C>T on transcript NM_000090.4 (MANE Select); coding-DNA position 770, C replaced by T.
Protein change: p.Pro257Leu; replaces proline 257 with leucine.
Molecular consequence: missense variant.
Genome position (GRCh38, 1-based): chr2:188,990,332, C>T. VCF-style: chr2-188990332-C-T. GRCh37 (hg19) VCF-style: chr2-189855058-C-T.
Other names: short protein forms P257L.
Identifiers: ClinVar variation 3386437 (VCV003386437.1).

ClinVar aggregate classification (germline): Uncertain significance (1 of 4 stars; one submission).

Conditions:
Ehlers-Danlos syndrome, type 4 (EDSVASC). Also called: Ehlers-Danlos syndrome vascular type; Ehlers Danlos syndrome, ecchymotic type; Ehlers Danlos syndrome, arterial type; Ehlers Danlos syndrome, Sack-Barabas type; Ehlers-Danlos Syndrome Type IV. Identifiers: Orphanet 286, MedGen C0268338, MONDO:0017314, OMIM 130050.

Submission:

All of Us Research Program, National Institutes of Health
Classification: Uncertain significance for Ehlers-Danlos syndrome, type 4. Last evaluated: 2024-05-14. Review status: criteria provided, single submitter. Criteria: ACMG Guidelines, 2015. Collection method: clinical testing. Allele origin: germline. Inheritance: Autosomal dominant inheritance. Observed: 1 variant allele, 1 heterozygote.
Comment: This missense variant replaces proline with leucine at codon 257 of the COL3A1 protein. Computational prediction tools indicate that this variant has a deleterious impact on protein structure and function. To our knowledge, functional studies have not been reported for this variant. This variant has not been reported in individuals affected with COL3A1-related disorders in the literature. This variant has been identified in 1/250168 chromosomes in the general population by the Genome Aggregation Database (gnomAD). The available evidence is insufficient to determine the role of this variant in disease conclusively. Therefore, this variant is classified as a Variant of Uncertain Significance.

This study involves interpretation of variants in research participants for the purpose of population health screening. Participant phenotype was not available at the time of variant classification. Additional details can be found in publication PMID: 35346344, PMCID: PMC8962531